The following is an entry in ClinVar:

NM_001457.4(FLNB):c.5678A>G (p.Lys1893Arg)

Gene: FLNB (filamin B; plus strand). Cytogenetic location: 3p14.3.
Variant type: single nucleotide variant.
Coding change: c.5678A>G on transcript NM_001457.4 (MANE Select); coding-DNA position 5678, A replaced by G.
Protein change: p.Lys1893Arg; replaces lysine 1893 with arginine.
Molecular consequence: missense variant.
Genome position (GRCh38, 1-based): chr3:58,146,943, A>G. VCF-style: chr3-58146943-A-G. GRCh37 (hg19) VCF-style: chr3-58132670-A-G.
Other names: c.5771A>G, p.Lys1924Arg (NM_001164317.2); c.5645A>G, p.Lys1882Arg (NM_001164318.2); c.5606A>G, p.Lys1869Arg (NM_001164319.2); short protein forms K1869R, K1924R, K1882R, K1893R.
Identifiers: ClinVar variation 2994986 (VCV002994986.3), dbSNP rs2471200180, ClinGen allele CA353355102.
Genomic context (GRCh38, chr3:58,146,943, plus strand): 5'-ATGGGACATGCACAGTGACCTACCTGCCGACTCTGCCAGGCGACTACAGCATTCTGGTCA[A>G]GTACAATGACAAGCACATCCCTGGCAGCCCCTTCACAGCCAAGATCACAGGTAGGGTTGT-3'
Protein context (NP_001448.2, residues 1883-1903): TLPGDYSILV[Lys1893Arg]YNDKHIPGSP

ClinVar aggregate classification (germline): Uncertain significance (1 of 4 stars; one submission).

Allele frequency attached by ClinVar (database versions not stated): gnomAD exomes below 0.00001.
gnomAD v4.1: 2 of 1,614,220 alleles (0.00012%); highest among the groups gnomAD compares: Non-Finnish European, 0.00017%; no homozygotes.

Submission:

Labcorp Genetics (formerly Invitae), Labcorp
Classification: Uncertain significance. Last evaluated: 2024-10-15. Review status: criteria provided, single submitter. Criteria: Invitae Variant Classification Sherloc (09022015). Collection method: clinical testing. Allele origin: germline.
Comment: This sequence change replaces lysine, which is basic and polar, with arginine, which is basic and polar, at codon 1893 of the FLNB protein (p.Lys1893Arg). This variant is not present in population databases (gnomAD no frequency). This variant has not been reported in the literature in individuals affected with FLNB-related conditions. Invitae Evidence Modeling of protein sequence and biophysical properties (such as structural, functional, and spatial information, amino acid conservation, physicochemical variation, residue mobility, and thermodynamic stability) indicates that this missense variant is not expected to disrupt FLNB protein function with a negative predictive value of 95%. Algorithms developed to predict the effect of sequence changes on RNA splicing suggest that this variant may create or strengthen a splice site. In summary, the available evidence is currently insufficient to determine the role of this variant in disease. Therefore, it has been classified as a Variant of Uncertain Significance.